The following is an entry in ClinVar:

ClinVar aggregate classification (germline): Pathogenic. Review status: reviewed by expert panel (3 of 4 stars). 7 submissions from 7 submitters: Pathogenic (1). 6 of the submissions do not count toward it. Last evaluated 2017-12-15.

Conditions:
Hereditary cancer-predisposing syndrome. Also called: Tumor predisposition; Hereditary neoplastic syndrome; Hereditary Cancer Syndrome; Neoplastic Syndromes, Hereditary. Identifiers: Orphanet 140162, MedGen C0027672, MeSH D009386, MONDO:0015356.
Hereditary breast ovarian cancer syndrome. Also called: Hereditary breast and ovarian cancer syndrome; BRCA1- and BRCA2-Associated Hereditary Breast and Ovarian Cancer; Hereditary breast and/or ovarian cancer syndrome; Hereditary breast and ovarian cancer syndrome (HBOC); Breast and ovarian cancer; Hereditary breast and ovarian cancer. Identifiers: Orphanet 145, MedGen C0677776, MeSH D061325, MONDO:0003582. Disease mechanism: loss of function.
Breast-ovarian cancer, familial, susceptibility to, 1 (BROVCA1). Also called: BRCA1 Hereditary Breast and Ovarian Cancer; OVARIAN CANCER, SUSCEPTIBILITY TO. Identifiers: Orphanet 145, MedGen C2676676, MONDO:0011450, OMIM 604370. Disease mechanism: loss of function.

Submissions (7):

Evidence-based Network for the Interpretation of Germline Mutant Alleles (ENIGMA)
Classification: Pathogenic for Breast-ovarian cancer, familial, susceptibility to, 1. Last evaluated: 2017-12-15. Review status: reviewed by expert panel. Criteria: ENIGMA BRCA1/2 Classification Criteria (2017-06-29). Collection method: curation. Allele origin: germline. Study: ENIGMA.
Comment: Variant allele predicted to encode a truncated non-functional protein.

Labcorp Genetics (formerly Invitae), Labcorp
Classification: Pathogenic for Hereditary breast ovarian cancer syndrome. Last evaluated: 2025-11-04. Review status: criteria provided, single submitter. Criteria: Invitae Variant Classification Sherloc (09022015). Collection method: clinical testing. Allele origin: germline. Not counted in ClinVar's aggregate classification.
Comment: This sequence change creates a premature translational stop signal (p.Ile1465*) in the BRCA1 gene. It is expected to result in an absent or disrupted protein product. Loss-of-function variants in BRCA1 are known to be pathogenic (PMID: 20104584). This variant is not present in population databases (gnomAD no frequency). This variant has not been reported in the literature in individuals affected with BRCA1-related conditions. ClinVar contains an entry for this variant (Variation ID: 418999). Algorithms developed to predict the effect of sequence changes on RNA splicing suggest that this variant may disrupt the consensus splice site. For these reasons, this variant has been classified as Pathogenic.

CeGaT Center for Human Genetics Tuebingen
Classification: Pathogenic. Last evaluated: 2025-08-01. Review status: criteria provided, single submitter. Criteria: CeGaT Center For Human Genetics Tuebingen Variant Classification Criteria Version 2. Collection method: clinical testing. Allele origin: germline. Affected: yes. Observed: 2 variant alleles. Not counted in ClinVar's aggregate classification.
Comment: BRCA1: PVS1, PM2, PS4:Moderate

Ambry Genetics
Classification: Pathogenic for Hereditary cancer-predisposing syndrome. Last evaluated: 2025-03-13. Review status: criteria provided, single submitter. Criteria: Ambry Variant Classification Scheme 2023. Collection method: clinical testing. Allele origin: germline. Not counted in ClinVar's aggregate classification.
Comment: The c.4392delT pathogenic mutation, located in coding exon 12 of the BRCA1 gene, results from a deletion of one nucleotide at nucleotide position 4392, causing a translational frameshift with a predicted alternate stop codon (p.I1465*). This variant is considered to be rare based on population cohorts in the Genome Aggregation Database (gnomAD). This alteration is expected to result in loss of function by premature protein truncation or nonsense-mediated mRNA decay. As such, this alteration is interpreted as a disease-causing mutation.

Color Diagnostics, LLC DBA Color Health
Classification: Pathogenic for Hereditary cancer-predisposing syndrome. Last evaluated: 2023-02-20. Review status: criteria provided, single submitter. Criteria: ACMG Guidelines, 2015. Collection method: clinical testing. Allele origin: germline. Not counted in ClinVar's aggregate classification.
Comment: This variant deletes 1 nucleotide in exon 13 of the BRCA1 gene, creating a frameshift and premature translation stop signal. This variant is expected to result in an absent or non-functional protein product. This variant has been reported in an individual affected with triple-negative breast cancer (PMID: 34072659) and in a breast cancer case-control meta-analysis in 1/60466 cases and 0/53461 unaffected individuals (PMID: 33471991; Leiden Open Variation Database DB-ID BRCA1_006239). This variant has not been identified in the general population by the Genome Aggregation Database (gnomAD). Loss of BRCA1 function is a known mechanism of disease. Based on the available evidence, this variant is classified as Pathogenic.

Women's Health and Genetics/Laboratory Corporation of America, LabCorp
Classification: Pathogenic for Hereditary breast ovarian cancer syndrome. Last evaluated: 2021-10-08. Review status: criteria provided, single submitter. Criteria: LabCorp Variant Classification Summary - May 2015. Collection method: clinical testing. Allele origin: germline. Not counted in ClinVar's aggregate classification.
Comment: Variant summary: BRCA1 c.4392delT (p.Ile1465X) results in a premature termination codon, predicted to cause a truncation of the encoded protein or absence of the protein due to nonsense mediated decay, which are commonly known mechanisms for disease. Truncations downstream of this position have been classified as pathogenic by our laboratory. The variant was absent in 251124 control chromosomes. c.4392delT has been reported in the literature in at least individual affected with Hereditary Breast And Ovarian Cancer Syndrome (Dorling_2021). To our knowledge, no experimental evidence demonstrating an impact on protein function has been reported. Three clinical diagnostic laboratories and an expert panel have submitted clinical-significance assessments for this variant to ClinVar after 2014 without evidence for independent evaluation. All submitters classified the variant as pathogenic. Based on the evidence outlined above, the variant was classified as pathogenic.

GeneDx
Classification: Pathogenic. Last evaluated: 2015-05-04. Review status: criteria provided, single submitter. Criteria: GeneDx Variant Classification (06012015). Collection method: clinical testing. Allele origin: germline. Affected: yes. Not counted in ClinVar's aggregate classification.
Comment: This pathogenic variant is denoted BRCA1 c.4392delT at the cDNA level and p.Ile1465Ter (I1465X) at the protein level. The substitution creates a nonsense variant, which changes an Isoleucine to a premature stop codon (ATA>TAA), and is predicted to cause loss of normal protein function through either protein truncation or nonsense-mediated mRNA decay. Although this variant has not, to our knowledge, been reported in the literature, it is considered pathogenic.

Literature cited by the submitters: PubMed 20104584 (cited by Labcorp Genetics (formerly Invitae), Labcorp); PubMed 33471991 (cited by Color Diagnostics, LLC DBA Color Health and Women's Health and Genetics/Laboratory Corporation of America, LabCorp); PubMed 34072659 (cited by Color Diagnostics, LLC DBA Color Health).

NM_007294.4(BRCA1):c.4392del (p.Pro1464_Ile1465insTer)

Gene: BRCA1 (BRCA1 DNA repair associated; minus strand). Cytogenetic location: 17q21.31.
Variant type: Deletion.
Coding change: c.4392del on transcript NM_007294.4 (MANE Select); coding-DNA position 4392, one base deleted (T; older notation c.4392delT).
Protein change: p.Pro1464_Ile1465insTer.
Molecular consequence: frameshift variant. On other transcripts: nonsense (363), non-coding transcript variant (1).
Genome position (GRCh38, 1-based): chr17:43,076,580, A deleted on the plus strand (T on the coding strand, the reverse complement: BRCA1 is on the minus strand). VCF-style (leftmost placement, unchanged base first): chr17-43076579-TA-T. GRCh37 (hg19) VCF-style: chr17-41228596-TA-T.
Other names: c.4266delT, p.Ile1423Terfs (NM_001407673.1, NM_001407674.1, NM_001407675.1 and 11 more transcripts); c.4263delT, p.Ile1422Terfs (NM_001407681.1, NM_001407682.1, NM_001407683.1 and 6 more transcripts); c.4392delT, p.Ile1465Terfs (NM_001407684.1, NM_001407854.1, NM_007294.3 and 9 more transcripts); c.4260delT, p.Ile1421Terfs (NM_001407690.1, NM_001407691.1); c.4251delT, p.Ile1418Terfs (NM_001407692.1, NM_001407694.1, NM_001407695.1 and 12 more transcripts); c.4248delT, p.Ile1417Terfs (NM_001407732.1, NM_001407733.1, NM_001407734.1 and 21 more transcripts); c.4245delT, p.Ile1416Terfs (NM_001407838.1, NM_001407839.1, NM_001407841.1 and 12 more transcripts); c.4389delT, p.Ile1464Terfs (NM_001407858.1, NM_001407859.1, NM_001407860.1 and 17 more transcripts); and 71 more.
Identifiers: ClinVar variation 418999 (VCV000418999.34), dbSNP rs1064793577, ClinGen allele CA16620425.
Genomic context (GRCh38, chr17:43,076,579, plus strand): 5'-TAGAACTATCTGCAGACACCTCAAACTTGTCAGCAGAAAGGCCTTCTGGATTCTGGCTTA[TA>T]GGGTATTCACTACTTTTCTGTGAAGTTAATACTGCTTTAAATGGAATGAGAAAACAAATC-3'